The following is an entry in ClinVar:

NM_001081.4(CUBN):c.6118C>T (p.Arg2040Ter)

Gene: CUBN (cubilin; minus strand). Cytogenetic location: 10p13.
Variant type: single nucleotide variant.
Coding change: c.6118C>T on transcript NM_001081.4 (MANE Select); coding-DNA position 6118, C replaced by T.
Protein change: p.Arg2040Ter; replaces arginine 2040 with a stop codon.
Molecular consequence: nonsense.
Genome position (GRCh38, 1-based): chr10:16,933,093, G>A on the plus strand (C>T on the coding strand, the complement: CUBN is on the minus strand). VCF-style: chr10-16933093-G-A. GRCh37 (hg19) VCF-style: chr10-16975092-G-A.
Other names: short protein forms R2040*.
Identifiers: ClinVar variation 2736019 (VCV002736019.3), dbSNP rs770636895, ClinGen allele CA5423804.

ClinVar aggregate classification (germline): Pathogenic (1 of 4 stars; one submission).

Conditions:
Imerslund-Grasbeck syndrome. Also called: Imerslund-Gräsbeck syndrome; Megaloblastic anemia due to inborn errors of metabolism; PERNICIOUS ANEMIA, JUVENILE, DUE TO SELECTIVE INTESTINAL MALABSORPTION OF VITAMIN B12, WITH PROTEINURIA; ENTEROCYTE COBALAMIN MALABSORPTION; ENTEROCYTE INTRINSIC FACTOR RECEPTOR, DEFECT OF. Identifiers: Orphanet 35858, MedGen C4551825, MONDO:0009853.

Allele frequency attached by ClinVar (database versions not stated): ExAC 0.00001; gnomAD 0.00001.
gnomAD v4.1: 23 of 1,613,526 alleles (0.0014%); highest among the groups gnomAD compares: Non-Finnish European, 0.0019%; no homozygotes.

Submission:

Labcorp Genetics (formerly Invitae), Labcorp
Classification: Pathogenic for Imerslund-Grasbeck syndrome. Last evaluated: 2023-10-20. Review status: criteria provided, single submitter. Criteria: Invitae Variant Classification Sherloc (09022015). Collection method: clinical testing. Allele origin: germline.
Comment: This sequence change creates a premature translational stop signal (p.Arg2040*) in the CUBN gene. It is expected to result in an absent or disrupted protein product. Loss-of-function variants in CUBN are known to be pathogenic (PMID: 15024727, 22929189, 25349199, 31613795, 34979989). The frequency data for this variant in the population databases is considered unreliable, as metrics indicate poor data quality at this position in the gnomAD database. This variant has not been reported in the literature in individuals affected with CUBN-related conditions. For these reasons, this variant has been classified as Pathogenic.

Literature cited by the submitters: PubMed 15024727; PubMed 22929189; PubMed 25349199; PubMed 31613795; PubMed 34979989.